The following is an entry in ClinVar:

NM_005483.3(CHAF1A):c.1512C>T (p.Gly504=)

Gene: CHAF1A (chromatin assembly factor 1 subunit A; plus strand). Cytogenetic location: 19p13.3.
Variant type: single nucleotide variant.
Coding change: c.1512C>T on transcript NM_005483.3 (MANE Select); coding-DNA position 1512, C replaced by T.
Protein change: p.Gly504=; no amino-acid change (glycine 504 retained).
Molecular consequence: synonymous variant.
Genome position (GRCh38, 1-based): chr19:4,428,798, C>T. VCF-style: chr19-4428798-C-T. GRCh37 (hg19) VCF-style: chr19-4428795-C-T.
Identifiers: ClinVar variation 4072724 (VCV004072724.1).

ClinVar aggregate classification (germline): Uncertain significance (1 of 4 stars; one submission).

Submission:

GeneDx
Classification: Uncertain significance. Last evaluated: 2025-02-01. Review status: criteria provided, single submitter. Criteria: GeneDx Variant Classification Process June 2021. Collection method: clinical testing. Allele origin: germline. Affected: yes.
Comment: Not observed at significant frequency in large population cohorts (gnomAD); In silico analysis supports a deleterious effect on splicing; Has not been previously published as pathogenic or benign to our knowledge